The following is an entry in ClinVar:

ClinVar aggregate classification (germline): Uncertain significance (1 of 4 stars; one submission).

gnomAD v4.1: 6 of 1,613,964 alleles (0.00037%); highest among the groups gnomAD compares: African/African-American, 0.0027%; no homozygotes.

Submission:

Labcorp Genetics (formerly Invitae), Labcorp
Classification: Uncertain significance. Last evaluated: 2021-08-09. Review status: criteria provided, single submitter. Criteria: Invitae Variant Classification Sherloc (09022015). Collection method: clinical testing. Allele origin: germline.
Comment: This sequence change replaces proline with serine at codon 178 of the TPP1 protein (p.Pro178Ser). The proline residue is highly conserved and there is a moderate physicochemical difference between proline and serine. This variant is present in population databases (rs149986601, ExAC 0.001%). This variant has not been reported in the literature in individuals affected with TPP1-related conditions. Advanced modeling of protein sequence and biophysical properties (such as structural, functional, and spatial information, amino acid conservation, physicochemical variation, residue mobility, and thermodynamic stability) performed at Invitae indicates that this missense variant is not expected to disrupt TPP1 protein function. In summary, the available evidence is currently insufficient to determine the role of this variant in disease. Therefore, it has been classified as a Variant of Uncertain Significance.

NM_000391.4(TPP1):c.532C>T (p.Pro178Ser)

Gene: TPP1 (tripeptidyl peptidase 1; minus strand). Cytogenetic location: 11p15.4.
Variant type: single nucleotide variant.
Coding change: c.532C>T on transcript NM_000391.4 (MANE Select); coding-DNA position 532, C replaced by T.
Protein change: p.Pro178Ser; replaces proline 178 with serine.
Molecular consequence: missense variant.
Genome position (GRCh38, 1-based): chr11:6,617,130, G>A on the plus strand (C>T on the coding strand, the complement: TPP1 is on the minus strand). VCF-style: chr11-6617130-G-A. GRCh37 (hg19) VCF-style: chr11-6638361-G-A.
Other names: short protein forms P178S.
Identifiers: ClinVar variation 1428692 (VCV001428692.3), dbSNP rs149986601, ClinGen allele CA5858901.
Genomic context (GRCh38, chr11:6,617,130, plus strand): 5'-GATGCAGGCCTACAGTCCCTGTCACCTGCGGCTCAGGACGTTGCCTCAGGGATGATGTTG[G>A]GGGAAAACGGTGCAGTCCCCCCACTGTAGGGAGAAGTCAGGCTTGAGGAGATCTTATAGA-3'
Protein context (NP_000382.3, residues 168-188): DFVGGLHRFP[Pro178Ser]TSSLRQRPEP